The following is an entry in ClinVar:

NM_004738.5(VAPB):c.677C>T (p.Ala226Val)

Gene: VAPB (VAMP associated protein B and C; plus strand). Cytogenetic location: 20q13.32.
Variant type: single nucleotide variant.
Coding change: c.677C>T on transcript NM_004738.5 (MANE Select); coding-DNA position 677, C replaced by T.
Protein change: p.Ala226Val; replaces alanine 226 with valine.
Molecular consequence: missense variant. On other transcripts: 3 prime UTR variant (1), non-coding transcript variant (1).
Genome position (GRCh38, 1-based): chr20:58,444,180, C>T. VCF-style: chr20-58444180-C-T. GRCh37 (hg19) VCF-style: chr20-57019236-C-T.
Other names: c.*15C>T (NM_001195677.2); short protein forms A226V.
Identifiers: ClinVar variation 1051716 (VCV001051716.9), dbSNP rs2123105103, ClinGen allele CA409440311.

ClinVar aggregate classification (germline): Uncertain significance (1 of 4 stars; one submission).

Conditions:
Adult-onset proximal spinal muscular atrophy, autosomal dominant. Also called: FINKEL LATE-ADULT TYPE SMA; Spinal muscular atrophy, late-onset, finkel type. Identifiers: Orphanet 209335, MedGen C1854058, MONDO:0008453, OMIM 182980.
Amyotrophic lateral sclerosis type 8 (ALS8). Identifiers: Orphanet 803, MedGen C1837728, MONDO:0012077, OMIM 608627.

Allele frequency attached by ClinVar (database versions not stated): gnomAD exomes below 0.00001.
gnomAD v4.1: 1 of 1,614,188 alleles (0.000062%); highest among the groups gnomAD compares: Non-Finnish European, 0.000085%; no homozygotes.

Submission:

Labcorp Genetics (formerly Invitae), Labcorp
Classification: Uncertain significance for Adult-onset proximal spinal muscular atrophy, autosomal dominant; Amyotrophic lateral sclerosis type 8. Last evaluated: 2024-05-20. Review status: criteria provided, single submitter. Criteria: Invitae Variant Classification Sherloc (09022015). Collection method: clinical testing. Allele origin: germline.
Comment: This sequence change replaces alanine, which is neutral and non-polar, with valine, which is neutral and non-polar, at codon 226 of the VAPB protein (p.Ala226Val). This variant is not present in population databases (gnomAD no frequency). This variant has not been reported in the literature in individuals affected with VAPB-related conditions. ClinVar contains an entry for this variant (Variation ID: 1051716). Advanced modeling of protein sequence and biophysical properties (such as structural, functional, and spatial information, amino acid conservation, physicochemical variation, residue mobility, and thermodynamic stability) performed at Invitae indicates that this missense variant is not expected to disrupt VAPB protein function with a negative predictive value of 80%. In summary, the available evidence is currently insufficient to determine the role of this variant in disease. Therefore, it has been classified as a Variant of Uncertain Significance.